The following is an entry in ClinVar:

ClinVar aggregate classification (germline): Pathogenic (1 of 4 stars; one submission).

Conditions:
CHARGE syndrome (CHARGE). Also called: Hittner Hirsch Kreh syndrome; CHARGE ASSOCIATION--COLOBOMA, HEART ANOMALY, CHOANAL ATRESIA, RETARDATION, GENITAL AND EAR ANOMALIES; Coloboma, heart anomaly, choanal atresia, retardation, genital and ear anomalies; CHARGE association; Hall-Hittner syndrome. Identifiers: Orphanet 138, MedGen C0265354, MONDO:0008965.

Submission:

Laboratory of Prof. Karen Avraham, Tel Aviv University
Classification: Pathogenic for CHD7-related CHARGE syndrome. Last evaluated: 2024-05-01. Review status: criteria provided, single submitter. Criteria: ACMG Guidelines, 2015. Collection method: research. Allele origin: germline. Affected: yes. Observed: 1 variant allele.
Comment: There is another known stop mutation at this locus: c.4441A>T, p.Lys1481Ter. The present variant is a frameshift and has the same effect

Autosomal dominant; high-tone HL, normal-moderately severe

NM_017780.4(CHD7):c.4439_4440insCCCC (p.Lys1481fs)

Gene: CHD7 (chromodomain helicase DNA binding protein 7; plus strand). Cytogenetic location: 8q12.2.
Variant type: Insertion.
Coding change: c.4439_4440insCCCC on transcript NM_017780.4 (MANE Select); coding-DNA positions 4439 to 4440, CCCC inserted.
Protein change: p.Lys1481fs; shifts the reading frame from lysine 1481.
Molecular consequence: frameshift variant. On other transcripts: intron variant (1).
Genome position: GRCh38 VCF-style: chr8-60838160-T-TCCCC. GRCh37 (hg19) VCF-style: chr8-61750719-T-TCCCC.
Other names: c.1717-24068_1717-24067insCCCC (NM_001316690.1); short protein forms K1481fs.
Identifiers: ClinVar variation 3250405 (VCV003250405.1), dbSNP rs2487915295.